The following is an entry in ClinVar:

NM_001349338.3(FOXP1):c.1326_1331dup (p.Tyr443_Asn444insLysTyr)

Gene: FOXP1 (forkhead box P1; minus strand). Cytogenetic location: 3p13.
Variant type: Duplication.
Coding change: c.1326_1331dup on transcript NM_001349338.3 (MANE Select); coding-DNA positions 1326 to 1331, 6 bases duplicated (ATACAA; older notation c.1326_1331dupATACAA).
Protein change: p.Tyr443_Asn444insLysTyr.
Molecular consequence: inframe insertion. On other transcripts: inframe indel (1), non-coding transcript variant (2).
Genome position (GRCh38, 1-based): chr3:70,977,845-70,977,850, TTGTAT duplicated on the plus strand (ATACAA on the coding strand, the reverse complement: FOXP1 is on the minus strand); duplicating any 6 consecutive bases within chr3:70,977,845-70,977,854 gives the same sequence; the c. name uses the placement nearest the transcript's 3' end. VCF-style (leftmost placement, unchanged base first): chr3-70977844-G-GTTGTAT. GRCh37 (hg19) VCF-style: chr3-71026995-G-GTTGTAT.
Other names: c.1326_1331dup, p.Tyr443_Asn444insLysTyr (NM_001244808.3, NM_001244810.2, NM_001244814.3 and 3 more transcripts); c.1098_1103dup, p.Tyr367_Asn368insLysTyr (NM_001244812.3); c.1026_1031dup, p.Tyr343_Asn344insLysTyr (NM_001244813.3, NM_001244815.2, NM_001349342.3 and 1 more transcripts); c.1023_1028dup, p.Tyr342_Asn343insLysTyr (NM_001349337.2, NM_001349343.3, NM_001349344.3); c.1322_1327dup, p.Tyr443_Asn444insLysTyr (NM_001349339.1); c.1323_1328dup, p.Tyr442_Asn443insLysTyr (NM_001349341.3).
Identifiers: ClinVar variation 2705060 (VCV002705060.4), dbSNP rs2037901964, ClinGen allele CA1373976710.
Genomic context (GRCh38, chr3:70,977,844, plus strand): 5'-TTGCAGATTACAACTCTACGTGAGGCAAAAGGTGGAGTATCTACCTGACGAAATGGGCAC[G>GTTGTAT]TTGTATTTGTCTGAGTACCGCCTGCGGATGGGTCCCACCGTGTGCATGCTGGTGGTTGTG-3'

ClinVar aggregate classification (germline): Uncertain significance. Review status: criteria provided, multiple submitters, no conflicts (2 of 4 stars). 2 submissions from 2 submitters: Uncertain significance (2). Last evaluated 2023-12-23.

Submissions (2):

Labcorp Genetics (formerly Invitae), Labcorp
Classification: Uncertain significance. Last evaluated: 2023-12-23. Review status: criteria provided, single submitter. Criteria: Invitae Variant Classification Sherloc (09022015). Collection method: clinical testing. Allele origin: germline.
Comment: This variant, c.1326_1331dup, results in the insertion of 2 amino acid(s) of the FOXP1 protein (p.Lys442_Tyr443dup), but otherwise preserves the integrity of the reading frame. This variant is not present in population databases (gnomAD no frequency). This variant has not been reported in the literature in individuals affected with FOXP1-related conditions. In summary, the available evidence is currently insufficient to determine the role of this variant in disease. Therefore, it has been classified as a Variant of Uncertain Significance.

Blueprint Genetics
Classification: Uncertain significance. Last evaluated: 2022-03-23. Review status: criteria provided, single submitter. Criteria: ACMG Guidelines, 2015. Collection method: clinical testing. Allele origin: germline.